The following is an entry in ClinVar:

NM_001271.4(CHD2):c.4745A>G (p.Glu1582Gly)

Gene: CHD2 (chromodomain helicase DNA binding protein 2; plus strand). Cytogenetic location: 15q26.1.
Variant type: single nucleotide variant.
Coding change: c.4745A>G on transcript NM_001271.4 (MANE Select); coding-DNA position 4745, A replaced by G.
Protein change: p.Glu1582Gly; replaces glutamic acid 1582 with glycine.
Molecular consequence: missense variant.
Genome position (GRCh38, 1-based): chr15:93,014,748, A>G. VCF-style: chr15-93014748-A-G. GRCh37 (hg19) VCF-style: chr15-93557978-A-G.
Other names: short protein forms E1582G.
Identifiers: ClinVar variation 2058457 (VCV002058457.4), dbSNP rs368248581, ClinGen allele CA7748549.

ClinVar aggregate classification (germline): Uncertain significance (1 of 4 stars; one submission).

Conditions:
Developmental and epileptic encephalopathy 94 (DEE94). Also called: Epileptic encephalopathy, childhood-onset; CHD2-Related Neurodevelopmental Disorders. Identifiers: Orphanet 1942, Orphanet 2382, MedGen C3809278, MONDO:0014150, OMIM 615369.

Allele frequency attached by ClinVar (database versions not stated): gnomAD 0.00001; ExAC 0.00002; TOPMed 0.00002; ESP Exome Variant Server 0.00008.
gnomAD v4.1: 73 of 1,614,070 alleles (0.0045%); highest among the groups gnomAD compares: Non-Finnish European, 0.0062%; no homozygotes.

Submission:

Labcorp Genetics (formerly Invitae), Labcorp
Classification: Uncertain significance for Developmental and epileptic encephalopathy 94. Last evaluated: 2022-09-27. Review status: criteria provided, single submitter. Criteria: Invitae Variant Classification Sherloc (09022015). Collection method: clinical testing. Allele origin: germline.
Comment: This sequence change replaces glutamic acid, which is acidic and polar, with glycine, which is neutral and non-polar, at codon 1582 of the CHD2 protein (p.Glu1582Gly). This variant is present in population databases (rs368248581, gnomAD 0.004%). This variant has not been reported in the literature in individuals affected with CHD2-related conditions. Advanced modeling of protein sequence and biophysical properties (such as structural, functional, and spatial information, amino acid conservation, physicochemical variation, residue mobility, and thermodynamic stability) performed at Invitae indicates that this missense variant is not expected to disrupt CHD2 protein function. In summary, the available evidence is currently insufficient to determine the role of this variant in disease. Therefore, it has been classified as a Variant of Uncertain Significance.